The following is an entry in ClinVar:

ClinVar aggregate classification (germline): Uncertain significance. Review status: criteria provided, multiple submitters, no conflicts (2 of 4 stars). 6 submissions from 6 submitters: Uncertain significance (5). 1 of the submissions does not count toward it. Last evaluated 2025-09-24.

Conditions:
PLEC-related disorder. Also called: PLEC-related disorders; PLEC-related condition.
Autosomal recessive limb-girdle muscular dystrophy type 2Q (LGMDR17). Also called: MUSCULAR DYSTROPHY, LIMB-GIRDLE, AUTOSOMAL RECESSIVE 17. Identifiers: Orphanet 254361, MedGen C3150989, MONDO:0013390, OMIM 613723.
Epidermolysis bullosa simplex with nail dystrophy (EBS5D). Identifiers: MedGen C4225309, MONDO:0014661, OMIM 616487.
Epidermolysis bullosa simplex 5B, with muscular dystrophy (EBS5B). Also called: EPIDERMOLYSIS BULLOSA SIMPLEX AND LIMB-GIRDLE MUSCULAR DYSTROPHY; Epidermolysis bullosa simplex with muscular dystrophy. Identifiers: Orphanet 257, MedGen C2931072, MONDO:0009181, OMIM 226670.
Epidermolysis bullosa simplex, Ogna type (EBS5A). Also called: EPIDERMOLYSIS BULLOSA SIMPLEX 5A, OGNA TYPE; Pidermolysis bullosa simplex 5A, Ogna type. Identifiers: Orphanet 79401, MedGen C0432317, MONDO:0007555, OMIM 131950.
Epidermolysis bullosa simplex 5C, with pyloric atresia (EBS5C). Also called: PLEC-Related Epidermolysis Bullosa with Pyloric Atresia; PLEC1-Related Epidermolysis Bullosa with Pyloric Atresia; Epidermolysis bullosa simplex with pyloric atresia. Identifiers: Orphanet 158684, MedGen C2677349, MONDO:0012807, OMIM 612138.
Inborn genetic diseases. Identifiers: MedGen C0950123, MeSH D030342.

Allele frequency attached by ClinVar (database versions not stated): TOPMed 0.00002; gnomAD 0.00005 and 0.00008; gnomAD exomes 0.00009 and 0.00020; ExAC 0.00020; 1000 Genomes Project 30x 0.00031.

Submissions (6):

Ambry Genetics
Classification: Uncertain significance for Inborn genetic diseases. Last evaluated: 2025-09-24. Review status: criteria provided, single submitter. Criteria: Ambry Variant Classification Scheme 2023. Collection method: clinical testing. Allele origin: germline.

Labcorp Genetics (formerly Invitae), Labcorp
Classification: Uncertain significance for Autosomal recessive limb-girdle muscular dystrophy type 2Q; Epidermolysis bullosa simplex, Ogna type; Epidermolysis bullosa simplex with nail dystrophy; Epidermolysis bullosa simplex 5C, with pyloric atresia; Epidermolysis bullosa simplex 5B, with muscular dystrophy. Last evaluated: 2025-08-18. Review status: criteria provided, single submitter. Criteria: Invitae Variant Classification Sherloc (09022015). Collection method: clinical testing. Allele origin: germline.
Comment: This sequence change replaces aspartic acid, which is acidic and polar, with asparagine, which is neutral and polar, at codon 3535 of the PLEC protein (p.Asp3535Asn). This variant is present in population databases (rs782757717, gnomAD 0.1%). This variant has not been reported in the literature in individuals affected with PLEC-related conditions. ClinVar contains an entry for this variant (Variation ID: 497659). Invitae Evidence Modeling of protein sequence and biophysical properties (such as structural, functional, and spatial information, amino acid conservation, physicochemical variation, residue mobility, and thermodynamic stability) indicates that this missense variant is not expected to disrupt PLEC protein function with a negative predictive value of 80%. In summary, the available evidence is currently insufficient to determine the role of this variant in disease. Therefore, it has been classified as a Variant of Uncertain Significance.

GeneDx
Classification: Uncertain significance. Last evaluated: 2025-05-12. Review status: criteria provided, single submitter. Criteria: GeneDx Variant Classification Process June 2021. Collection method: clinical testing. Allele origin: germline. Affected: yes.
Comment: In silico analysis supports that this missense variant has a deleterious effect on protein structure/function; Missense variant in a gene in which most reported pathogenic variants are truncating/loss of function; Has not been previously published as pathogenic or benign to our knowledge

Revvity Omics, Revvity
Classification: Uncertain significance. Last evaluated: 2021-03-11. Review status: criteria provided, single submitter. Criteria: ACMG Guidelines, 2015. Collection method: clinical testing. Allele origin: germline.

Eurofins Ntd Llc (ga)
Classification: Uncertain significance. Last evaluated: 2016-10-21. Review status: criteria provided, single submitter. Criteria: EGL Classification Definitions 2015. Collection method: clinical testing. Allele origin: germline. Observed: 1 variant allele, 1 heterozygote.

PreventionGenetics, part of Exact Sciences
Classification: Uncertain significance for PLEC-related condition. Last evaluated: 2024-04-23. Review status: no assertion criteria provided. Collection method: clinical testing. Allele origin: germline. Not counted in ClinVar's aggregate classification.
Comment: The PLEC c.10603G>A variant is predicted to result in the amino acid substitution p.Asp3535Asn. To our knowledge, this variant has not been reported in the literature. This variant is reported in 0.13% of alleles in individuals of South Asian descent in gnomAD. Although we suspect that this variant may be benign, at this time, the clinical significance of this variant is uncertain due to the absence of conclusive functional and genetic evidence.

NM_201384.3(PLEC):c.10522G>A (p.Asp3508Asn)

Gene: PLEC (plectin; minus strand). Cytogenetic location: 8q24.3.
Variant type: single nucleotide variant.
Coding change: c.10522G>A on transcript NM_201384.3 (MANE Select); coding-DNA position 10522, G replaced by A.
Protein change: p.Asp3508Asn; replaces aspartic acid 3508 with asparagine.
Molecular consequence: missense variant.
Genome position (GRCh38, 1-based): chr8:143,919,299, C>T on the plus strand (G>A on the coding strand, the complement: PLEC is on the minus strand). VCF-style: chr8-143919299-C-T. GRCh37 (hg19) VCF-style: chr8-144993467-C-T.
Other names: c.10603G>A, p.Asp3535Asn (NM_000445.5); c.10480G>A, p.Asp3494Asn (NM_201378.4); c.10456G>A, p.Asp3486Asn (NM_201379.3); c.10933G>A, p.Asp3645Asn (NM_201380.4); c.10426G>A, p.Asp3476Asn (NM_201381.3); c.10522G>A, p.Asp3508Asn (NM_201382.4); c.10534G>A, p.Asp3512Asn (NM_201383.3); c.10603G>A (NM_000445.3); short protein forms D3476N, D3486N, D3494N, D3508N, D3512N, D3535N, D3645N.
Identifiers: ClinVar variation 497659 (VCV000497659.19), dbSNP rs782757717, ClinGen allele CA4924621.